The following is an entry in ClinVar:

ClinVar aggregate classification (germline): Uncertain significance (1 of 4 stars; one submission).

gnomAD v4.1: 1 of 1,608,284 alleles (0.000062%); highest among the groups gnomAD compares: Non-Finnish European, 0.000085%; no homozygotes.

Submission:

Labcorp Genetics (formerly Invitae), Labcorp
Classification: Uncertain significance. Last evaluated: 2024-02-05. Review status: criteria provided, single submitter. Criteria: Invitae Variant Classification Sherloc (09022015). Collection method: clinical testing. Allele origin: germline.
Comment: This sequence change replaces glycine, which is neutral and non-polar, with arginine, which is basic and polar, at codon 734 of the CNGB3 protein (p.Gly734Arg). This variant is present in population databases (rs377050872, gnomAD 0.0009%). This variant has not been reported in the literature in individuals affected with CNGB3-related conditions. ClinVar contains an entry for this variant (Variation ID: 1915243). Advanced modeling of protein sequence and biophysical properties (such as structural, functional, and spatial information, amino acid conservation, physicochemical variation, residue mobility, and thermodynamic stability) performed at Invitae indicates that this missense variant is not expected to disrupt CNGB3 protein function with a negative predictive value of 95%. In summary, the available evidence is currently insufficient to determine the role of this variant in disease. Therefore, it has been classified as a Variant of Uncertain Significance.

NM_019098.5(CNGB3):c.2200G>A (p.Gly734Arg)

Gene: CNGB3 (cyclic nucleotide gated channel subunit beta 3; minus strand). Cytogenetic location: 8q21.3.
Variant type: single nucleotide variant.
Coding change: c.2200G>A on transcript NM_019098.5 (MANE Select); coding-DNA position 2200, G replaced by A.
Protein change: p.Gly734Arg; replaces glycine 734 with arginine.
Molecular consequence: missense variant.
Genome position (GRCh38, 1-based): chr8:86,576,034, C>T on the plus strand (G>A on the coding strand, the complement: CNGB3 is on the minus strand). VCF-style: chr8-86576034-C-T. GRCh37 (hg19) VCF-style: chr8-87588262-C-T.
Other names: short protein forms G734R.
Identifiers: ClinVar variation 1915243 (VCV001915243.5), dbSNP rs377050872, ClinGen allele CA4799777.